The following is an entry in ClinVar:

ClinVar aggregate classification (germline): Conflicting classifications of pathogenicity. Review status: criteria provided, conflicting classifications (1 of 4 stars). 8 submissions from 8 submitters: Uncertain significance (1); Benign (2); Likely benign (4). 1 of the submissions does not count toward it. Last evaluated 2026-01-13.

Conditions:
Tip-toe gait. Also called: Toe walking. Identifiers: MedGen C0427144, HP:0030051.
SBF1-related disorder. Also called: SBF1-related condition.

Allele frequency attached by ClinVar (database versions not stated): 1000 Genomes Project 30x 0.00031; 1000 Genomes Project 0.00040; ESP Exome Variant Server 0.00056; gnomAD 0.00070 and 0.00077; ExAC 0.00086; gnomAD exomes 0.00095; TOPMed 0.00096.
gnomAD v4.1: 1,622 of 1,613,734 alleles (0.1%); highest among the groups gnomAD compares: Middle Eastern, 0.38%; 7 homozygotes.

Submissions (8):

Labcorp Genetics (formerly Invitae), Labcorp
Classification: Likely benign. Last evaluated: 2026-01-13. Review status: criteria provided, single submitter. Criteria: Invitae Variant Classification Sherloc (09022015). Collection method: clinical testing. Allele origin: germline.

Mayo Clinic Laboratories, Mayo Clinic
Classification: Benign. Last evaluated: 2024-12-19. Review status: criteria provided, single submitter. Criteria: ACMG Guidelines, 2015. Collection method: clinical testing. Allele origin: germline. Observed: 6 variant alleles.
Comment: BS1, BS2, BP4_moderate

Blueprint Genetics
Classification: Uncertain significance. Last evaluated: 2024-11-20. Review status: criteria provided, single submitter. Criteria: ACMG Guidelines, 2015. Collection method: clinical testing. Allele origin: germline.

CeGaT Center for Human Genetics Tuebingen
Classification: Likely benign. Last evaluated: 2024-01-01. Review status: criteria provided, single submitter. Criteria: CeGaT Center For Human Genetics Tuebingen Variant Classification Criteria Version 2. Collection method: clinical testing. Allele origin: germline. Affected: yes. Observed: 3 variant alleles.
Comment: SBF1: BS2

Practice for Gait Abnormalities, David Pomarino, Competency Network Toe Walking C/o Practice Pomarino
Classification: Benign for Tip-toe gait. Last evaluated: 2021-09-24. Review status: criteria provided, single submitter. Criteria: Pomarino et al. (Glob Med Genet. 2023). Collection method: clinical testing. Allele origin: germline. Affected: yes.

GeneDx
Classification: Likely benign. Last evaluated: 2020-03-16. Review status: criteria provided, single submitter. Criteria: GeneDx Variant Classification Process June 2021. Collection method: clinical testing. Allele origin: germline. Affected: yes.

Breakthrough Genomics
Classification: Likely benign. Review status: criteria provided, single submitter. Criteria: ACMG Guidelines, 2015. Collection method: not provided. Allele origin: germline. Inheritance: Autosomal recessive inheritance. Affected: yes.

PreventionGenetics, part of Exact Sciences
Classification: Likely benign for SBF1-related condition. Last evaluated: 2021-05-26. Review status: no assertion criteria provided. Collection method: clinical testing. Allele origin: germline. Not counted in ClinVar's aggregate classification.
Comment: This variant is classified as likely benign based on ACMG/AMP sequence variant interpretation guidelines (Richards et al. 2015 PMID: 25741868, with internal and published modifications).

NM_002972.4(SBF1):c.5630C>T (p.Pro1877Leu)

Gene: SBF1 (SET binding factor 1; minus strand). Cytogenetic location: 22q13.33.
Variant type: single nucleotide variant.
Coding change: c.5630C>T on transcript NM_002972.4 (MANE Select); coding-DNA position 5630, C replaced by T.
Protein change: p.Pro1877Leu; replaces proline 1877 with leucine.
Molecular consequence: missense variant.
Genome position (GRCh38, 1-based): chr22:50,447,194, G>A on the plus strand (C>T on the coding strand, the complement: SBF1 is on the minus strand). VCF-style: chr22-50447194-G-A. GRCh37 (hg19) VCF-style: chr22-50885623-G-A.
Other names: p.Pro1877Leu; c.5555C>T, p.Pro1852Leu (NM_001365819.1); short protein forms P1852L, P1877L.
Identifiers: ClinVar variation 707840 (VCV000707840.39), dbSNP rs200103683, ClinGen allele CA10315739.